The following is an entry in ClinVar:

ClinVar aggregate classification (germline): Pathogenic/Likely pathogenic. Review status: criteria provided, multiple submitters, no conflicts (2 of 4 stars). 2 submissions from 2 submitters: Pathogenic (1); Likely pathogenic (1). Last evaluated 2023-10-30.

Conditions:
Developmental and epileptic encephalopathy 6B. Also called: Developmental and epileptic encephalopathy 6B, non-Dravet. Identifiers: MedGen C5543353, MONDO:0030268, OMIM 619317.
Migraine, familial hemiplegic, 3. Identifiers: Orphanet 569, MedGen C1864987, MONDO:0012320, OMIM 609634.
Generalized epilepsy with febrile seizures plus, type 2 (GEFSP2). Also called: GEFS+, TYPE 2. Identifiers: Orphanet 36387, MedGen C1858673, MONDO:0011461, OMIM 604403.
Severe myoclonic epilepsy in infancy (DRVT). Also called: SEVERE MYOCLONIC EPILEPSY OF INFANCY; DEVELOPMENTAL AND EPILEPTIC ENCEPHALOPATHY 6A; Severe Myoclonic Epilepsy in Infancy (SMEI); Dravet syndrome; Epileptic encephalopathy, early infantile, 6 (Dravet syndrome). Identifiers: Orphanet 33069, MedGen C0751122, MONDO:0100135, OMIM 607208.
Early-infantile DEE. Also called: Early infantile epileptic encephalopathy with suppression bursts; Early infantile epileptic encephalopathy; Ohtahara syndrome. Identifiers: Orphanet 1934, MedGen C0393706, MONDO:0800491.

Submissions (2):

Labcorp Genetics (formerly Invitae), Labcorp
Classification: Pathogenic for Early-infantile DEE. Last evaluated: 2023-10-30. Review status: criteria provided, single submitter. Criteria: Invitae Variant Classification Sherloc (09022015). Collection method: clinical testing. Allele origin: germline.
Comment: This sequence change replaces leucine, which is neutral and non-polar, with arginine, which is basic and polar, at codon 1800 of the SCN1A protein (p.Leu1800Arg). This variant is not present in population databases (gnomAD no frequency). This missense change has been observed in individual(s) with clinical features of SCN1A-related conditions (Invitae). In at least one individual the variant was observed to be de novo. ClinVar contains an entry for this variant (Variation ID: 1521549). Advanced modeling of protein sequence and biophysical properties (such as structural, functional, and spatial information, amino acid conservation, physicochemical variation, residue mobility, and thermodynamic stability) performed at Invitae indicates that this missense variant is expected to disrupt SCN1A protein function with a positive predictive value of 95%. For these reasons, this variant has been classified as Pathogenic.

Juno Genomics, Hangzhou Juno Genomics, Inc
Classification: Likely pathogenic for Developmental and epileptic encephalopathy 6B; Severe myoclonic epilepsy in infancy; Generalized epilepsy with febrile seizures plus, type 2; Migraine, familial hemiplegic, 3. Review status: criteria provided, single submitter. Criteria: ACMG Guidelines, 2015. Collection method: clinical testing. Allele origin: germline.
Comment: Absent from controls (or at extremely low frequency if recessive) in Genome Aggregation Database.;De novo (both maternity and paternity confirmed) in a patient with the disease and no family history.;Multiple lines of computational evidence support a deleterious effect on the gene or gene product.;The prevalence of the variant in affected individuals is significantly increased compared to the prevalence in controls.;Missense variant in a gene that has a low rate of benign missense variation.

NM_001165963.4(SCN1A):c.5399T>G (p.Leu1800Arg)

Genes: SCN1A (sodium voltage-gated channel alpha subunit 1; minus strand), LOC102724058 (uncharacterized LOC102724058; plus strand). Cytogenetic location: 2q24.3.
Variant type: single nucleotide variant.
Coding change: c.5399T>G on transcript NM_001165963.4 (MANE Select); coding-DNA position 5399, T replaced by G.
Protein change: p.Leu1800Arg; replaces leucine 1800 with arginine.
Molecular consequence: missense variant. On other transcripts: non-coding transcript variant (1).
Genome position (GRCh38, 1-based): chr2:165,991,876, A>C on the plus strand (T>G on the coding strand, the complement: SCN1A is on the minus strand). VCF-style: chr2-165991876-A-C. GRCh37 (hg19) VCF-style: chr2-166848386-A-C.
Other names: c.5315T>G, p.Leu1772Arg (NM_001165964.3, NM_001353957.2, NM_001353958.2); c.5399T>G, p.Leu1800Arg (NM_001202435.3, NM_001353948.2); c.5366T>G, p.Leu1789Arg (NM_001353949.2, NM_001353950.2, NM_001353951.2 and 2 more transcripts); c.5363T>G, p.Leu1788Arg (NM_001353954.2, NM_001353955.2); c.5312T>G, p.Leu1771Arg (NM_001353960.2); c.2957T>G, p.Leu986Arg (NM_001353961.2); short protein forms L1772R, L1788R, L1771R, L1789R, L1800R, L986R.
Identifiers: ClinVar variation 1521549 (VCV001521549.11), dbSNP rs2105428344, ClinGen allele CA349067789.